The following is an entry in ClinVar:

NM_001355436.2(SPTB):c.4983del (p.Ile1662fs)

Gene: SPTB (spectrin beta, erythrocytic; minus strand). Cytogenetic location: 14q23.3.
Variant type: Deletion.
Coding change: c.4983del on transcript NM_001355436.2 (MANE Select); coding-DNA position 4983, one base deleted (C; older notation c.4983delC).
Protein change: p.Ile1662fs; shifts the reading frame from isoleucine 1662.
Molecular consequence: frameshift variant.
Genome position (GRCh38, 1-based): chr14:64,773,415, G deleted on the plus strand (C on the coding strand, the reverse complement: SPTB is on the minus strand). VCF-style (leftmost placement, unchanged base first): chr14-64773414-TG-T. GRCh37 (hg19) VCF-style: chr14-65240132-TG-T.
Other names: p.Ile1662Serfs*14; c.4983del, p.Ile1662fs (NM_001024858.4, NM_001355437.2); short protein forms I1662fs.
Identifiers: ClinVar variation 3381112 (VCV003381112.1).

ClinVar aggregate classification (germline): Likely pathogenic (1 of 4 stars; one submission).

Submission:

Mayo Clinic Laboratories, Mayo Clinic
Classification: Likely pathogenic. Last evaluated: 2023-06-28. Review status: criteria provided, single submitter. Criteria: ACMG Guidelines, 2015. Collection method: clinical testing. Allele origin: germline. Observed: 1 variant allele.
Comment: PM2_moderate, PVS1